The following is an entry in ClinVar:

ClinVar aggregate classification (germline): Uncertain significance (1 of 4 stars; one submission).

Allele frequency attached by ClinVar (database versions not stated): gnomAD exomes 0.00003 and 0.00004; ExAC 0.00010.
gnomAD v4.1: 44 of 1,551,640 alleles (0.0028%); highest among the groups gnomAD compares: Middle Eastern, 0.05%; no homozygotes.

Submission:

Labcorp Genetics (formerly Invitae), Labcorp
Classification: Uncertain significance. Last evaluated: 2022-08-16. Review status: criteria provided, single submitter. Criteria: Invitae Variant Classification Sherloc (09022015). Collection method: clinical testing. Allele origin: germline.
Comment: This sequence change replaces arginine, which is basic and polar, with glutamine, which is neutral and polar, at codon 3232 of the CDH23 protein (p.Arg3232Gln). This variant is present in population databases (rs771985391, gnomAD 0.02%). This variant has not been reported in the literature in individuals affected with CDH23-related conditions. ClinVar contains an entry for this variant (Variation ID: 1436826). Algorithms developed to predict the effect of missense changes on protein structure and function are either unavailable or do not agree on the potential impact of this missense change (SIFT: "Deleterious"; PolyPhen-2: "Not Available"; Align-GVGD: "Class C0"). Algorithms developed to predict the effect of sequence changes on RNA splicing suggest that this variant may create or strengthen a splice site. In summary, the available evidence is currently insufficient to determine the role of this variant in disease. Therefore, it has been classified as a Variant of Uncertain Significance.

NM_022124.6(CDH23):c.9695G>A (p.Arg3232Gln)

Gene: CDH23 (cadherin related 23; plus strand). Cytogenetic location: 10q22.1.
Variant type: single nucleotide variant.
Coding change: c.9695G>A on transcript NM_022124.6 (MANE Select); coding-DNA position 9695, G replaced by A.
Protein change: p.Arg3232Gln; replaces arginine 3232 with glutamine.
Molecular consequence: missense variant. On other transcripts: intron variant (2).
Genome position (GRCh38, 1-based): chr10:71,813,305, G>A. VCF-style: chr10-71813305-G-A. GRCh37 (hg19) VCF-style: chr10-73573062-G-A.
Other names: c.2975G>A, p.Arg992Gln (NM_001171933.1); c.386G>A, p.Arg129Gln (NM_001171935.1); c.2913+415G>A (NM_001171934.1); c.324+415G>A (NM_001171936.1); short protein forms R992Q, R129Q, R3232Q.
Identifiers: ClinVar variation 1436826 (VCV001436826.3), dbSNP rs771985391, ClinGen allele CA5547151.